The following is an entry in ClinVar:

NM_001199107.2(TBC1D24):c.1582A>G (p.Ser528Gly)

Gene: TBC1D24 (TBC1 domain family member 24; plus strand). Cytogenetic location: 16p13.3.
Variant type: single nucleotide variant.
Coding change: c.1582A>G on transcript NM_001199107.2 (MANE Select); coding-DNA position 1582, A replaced by G.
Protein change: p.Ser528Gly; replaces serine 528 with glycine.
Molecular consequence: missense variant.
Genome position (GRCh38, 1-based): chr16:2,500,860, A>G. VCF-style: chr16-2500860-A-G. GRCh37 (hg19) VCF-style: chr16-2550861-A-G.
Other names: c.1564A>G, p.Ser522Gly (NM_020705.3); short protein forms S522G, S528G.
Identifiers: ClinVar variation 2100535 (VCV002100535.4), dbSNP rs2505529100, ClinGen allele CA394382131.

ClinVar aggregate classification (germline): Uncertain significance (1 of 4 stars; one submission).

Conditions:
Developmental and epileptic encephalopathy, 1 (DEE1). Also called: X-linked infantile spasms; West's syndrome; Tonic spasms with clustering, arrest of psychomotor development and hypsarrhythmia on EEG; X-Linked Infantile Spasm Syndrome; OHTAHARA SYNDROME, X-LINKED; INFANTILE SPASM SYNDROME, X-LINKED 1. Identifiers: MedGen C3463992, MONDO:0010632, OMIM 308350. Disease mechanism: loss of function.
Autosomal dominant nonsyndromic hearing loss 65. Also called: Deafness, autosomal dominant 65; TBC1D24-Related Autosomal Dominant Nonsyndromic Hearing Loss (DFNA). Identifiers: Orphanet 90635, MedGen C3892048, MONDO:0014470, OMIM 616044.

Allele frequency attached by ClinVar (database versions not stated): gnomAD exomes below 0.00001.
gnomAD v4.1: 1 of 1,612,380 alleles (0.000062%); highest among the groups gnomAD compares: African/African-American, 0.0013%; no homozygotes.

Submission:

Labcorp Genetics (formerly Invitae), Labcorp
Classification: Uncertain significance for Developmental and epileptic encephalopathy, 1; Autosomal dominant nonsyndromic hearing loss 65. Last evaluated: 2022-08-19. Review status: criteria provided, single submitter. Criteria: Invitae Variant Classification Sherloc (09022015). Collection method: clinical testing. Allele origin: germline.
Comment: In summary, the available evidence is currently insufficient to determine the role of this variant in disease. Therefore, it has been classified as a Variant of Uncertain Significance. Advanced modeling of protein sequence and biophysical properties (such as structural, functional, and spatial information, amino acid conservation, physicochemical variation, residue mobility, and thermodynamic stability) performed at Invitae indicates that this missense variant is not expected to disrupt TBC1D24 protein function. This variant has not been reported in the literature in individuals affected with TBC1D24-related conditions. This variant is not present in population databases (gnomAD no frequency). This sequence change replaces serine, which is neutral and polar, with glycine, which is neutral and non-polar, at codon 528 of the TBC1D24 protein (p.Ser528Gly).